The following is an entry in ClinVar:

ClinVar aggregate classification (germline): Uncertain significance (1 of 4 stars; one submission).

Conditions:
Hereditary cancer-predisposing syndrome. Also called: Hereditary Cancer Syndrome; Hereditary neoplastic syndrome; Neoplastic Syndromes, Hereditary; Tumor predisposition. Identifiers: Orphanet 140162, MedGen C0027672, MeSH D009386, MONDO:0015356.

Allele frequency attached by ClinVar (database versions not stated): gnomAD 0.00001.
gnomAD v4.1: 1 of 1,613,682 alleles (0.000062%); highest among the groups gnomAD compares: African/African-American, 0.0013%; no homozygotes.

Submission:

Ambry Genetics
Classification: Uncertain significance for Hereditary cancer-predisposing syndrome. Last evaluated: 2025-08-04. Review status: criteria provided, single submitter. Criteria: Ambry Variant Classification Scheme 2023. Collection method: clinical testing. Allele origin: germline.
Comment: The c.580+5G>A intronic variant results from a G to A substitution 5 nucleotides after coding exon 7 in the BAP1 gene. This nucleotide position is highly conserved in available vertebrate species. In silico splice site analysis predicts that this alteration may result in the creation or strengthening of a novel splice donor site. RNA studies have demonstrated that this alteration results in a splice defect; the clinical impact of this abnormal splicing is unknown at this time (Ambry internal data). Based on the available evidence, the clinical significance of this variant remains unclear.

NM_004656.4(BAP1):c.580+5G>A

Gene: BAP1 (BRCA1 associated deubiquitinase 1; minus strand). Cytogenetic location: 3p21.1.
Variant type: single nucleotide variant.
Coding change: c.580+5G>A on transcript NM_004656.4 (MANE Select); 5 bases into the intron after coding-DNA position 580, G replaced by A.
Molecular consequence: intron variant.
Genome position (GRCh38, 1-based): chr3:52,407,169, C>T on the plus strand (G>A on the coding strand, the complement: BAP1 is on the minus strand). VCF-style: chr3-52407169-C-T. GRCh37 (hg19) VCF-style: chr3-52441185-C-T.
Identifiers: ClinVar variation 1749781 (VCV001749781.3), dbSNP rs1189835434, ClinGen allele CA542899446.